The following is an entry in ClinVar:

ClinVar aggregate classification (germline): Uncertain significance (1 of 4 stars; one submission).

Submission:

Genetic Services Laboratory, University of Chicago
Classification: Uncertain significance. Last evaluated: 2020-03-10. Review status: criteria provided, single submitter. Criteria: ACMG Guidelines, 2015. Collection method: clinical testing. Allele origin: germline. Affected: no.
Comment: DNA sequence analysis of the MAGT1 gene demonstrated a 3 base pair deletion in exon 3, c.382_384del. This in-frame deletion is predicted to result in the deletion of one amino acid residue, p.Glu128del. This sequence change does not appear to have been previously described in patients with MAGT1-related disorders and has also not been described in population databases (gnomAD, ExAC). In-frame deletions in MAGT1 do not appear to have been previously described in patients with MAGT1-related disorders. The p.Glu128del change is located in a domain of the MAGT1 protein that is known to be functional. The functional significance of this sequence change is not known at present and its contribution to a disease phenotype cannot definitively be determined.

NM_001367916.1(MAGT1):c.283GAA[1] (p.Glu96del)

Gene: MAGT1 (magnesium transporter 1; minus strand). Cytogenetic location: Xq21.1.
Variant type: Microsatellite.
Coding change: c.283GAA[1] on transcript NM_001367916.1 (MANE Select); one copy of the 3-base unit GAA starting at c.283; the reference has two copies in a row; one copy, 3 bases deleted.
Protein change: p.Glu96del; deletes glutamic acid 96.
Molecular consequence: inframe deletion.
Genome position (GRCh38, 1-based): chrX:77,870,910-77,870,912, TTC deleted on the plus strand (GAA on the coding strand, the reverse complement: MAGT1 is on the minus strand); deleting any 3 consecutive bases within chrX:77,870,910-77,870,915 gives the same sequence; the position shown is the placement nearest the transcript's 3' end. VCF-style (leftmost placement, unchanged base first): chrX-77870909-ATTC-A. GRCh37 (hg19) VCF-style: chrX-77126406-ATTC-A.
Other names: c.379GAA[1], p.Glu128del (NM_032121.5); c.382_384del (NM_032121.5); short protein forms E128del, E96del.
Identifiers: ClinVar variation 1338567 (VCV001338567.4), dbSNP rs2149023700, ClinGen allele CA2580612380.